The following is an entry in ClinVar:

ClinVar aggregate classification (germline): Uncertain significance. Review status: criteria provided, multiple submitters, no conflicts (2 of 4 stars). 2 submissions from 2 submitters: Uncertain significance (2). Last evaluated 2024-09-21.

Conditions:
Hereditary cancer-predisposing syndrome. Also called: Neoplastic Syndromes, Hereditary; Hereditary Cancer Syndrome; Hereditary neoplastic syndrome; Tumor predisposition. Identifiers: Orphanet 140162, MedGen C0027672, MeSH D009386, MONDO:0015356.
Familial adenomatous polyposis 1 (FAP1). Also called: FAMILIAL ADENOMATOUS POLYPOSIS 1, ATTENUATED; POLYPOSIS, ADENOMATOUS INTESTINAL. Identifiers: MedGen C2713442, MONDO:0021056, OMIM 175100. Disease mechanism: loss of function.

gnomAD v4.1: 1 of 1,613,854 alleles (0.000062%); highest among the groups gnomAD compares: Non-Finnish European, 0.000085%; no homozygotes.

Submissions (2):

Ambry Genetics
Classification: Uncertain significance for Hereditary cancer-predisposing syndrome. Last evaluated: 2024-09-21. Review status: criteria provided, single submitter. Criteria: Ambry Variant Classification Scheme 2023. Collection method: clinical testing. Allele origin: germline.
Comment: The p.S2337I variant (also known as c.7010G>T), located in coding exon 15 of the APC gene, results from a G to T substitution at nucleotide position 7010. The serine at codon 2337 is replaced by isoleucine, an amino acid with dissimilar properties. This amino acid position is conserved. In addition, in silico predictors for this gene do not accurately predict pathogenicity. Based on the available evidence, the clinical significance of this variant remains unclear.

Labcorp Genetics (formerly Invitae), Labcorp
Classification: Uncertain significance for Familial adenomatous polyposis 1. Last evaluated: 2021-12-13. Review status: criteria provided, single submitter. Criteria: Invitae Variant Classification Sherloc (09022015). Collection method: clinical testing. Allele origin: germline.
Comment: In summary, the available evidence is currently insufficient to determine the role of this variant in disease. Therefore, it has been classified as a Variant of Uncertain Significance. Algorithms developed to predict the effect of missense changes on protein structure and function are either unavailable or do not agree on the potential impact of this missense change (SIFT: "Tolerated"; PolyPhen-2: "Probably Damaging"; Align-GVGD: "Class C0"). This variant has not been reported in the literature in individuals affected with APC-related conditions. This variant is not present in population databases (gnomAD no frequency). This sequence change replaces serine, which is neutral and polar, with isoleucine, which is neutral and non-polar, at codon 2337 of the APC protein (p.Ser2337Ile).

NM_000038.6(APC):c.7010G>T (p.Ser2337Ile)

Gene: APC (APC regulator of Wnt signaling pathway; plus strand). Cytogenetic location: 5q22.2.
Variant type: single nucleotide variant.
Coding change: c.7010G>T on transcript NM_000038.6 (MANE Select); coding-DNA position 7010, G replaced by T.
Protein change: p.Ser2337Ile; replaces serine 2337 with isoleucine.
Molecular consequence: missense variant.
Genome position (GRCh38, 1-based): chr5:112,842,604, G>T. VCF-style: chr5-112842604-G-T. GRCh37 (hg19) VCF-style: chr5-112178301-G-T.
Other names: c.7010G>T, p.Ser2337Ile (NM_001127510.3, NM_001354895.2, NM_001407450.1); c.6956G>T, p.Ser2319Ile (NM_001127511.3); c.7064G>T, p.Ser2355Ile (NM_001354896.2, NM_001407447.1, NM_001407448.1 and 1 more transcripts); c.7040G>T, p.Ser2347Ile (NM_001354897.2); c.6935G>T, p.Ser2312Ile (NM_001354898.2); c.6926G>T, p.Ser2309Ile (NM_001354899.2); c.6887G>T, p.Ser2296Ile (NM_001354900.2); c.6833G>T, p.Ser2278Ile (NM_001354901.2, NM_001407453.1); and 12 more; short protein forms S2177I, S2236I, S2246I, S2312I, S2327I, S2337I, S2347I, S1953I.
Identifiers: ClinVar variation 2041761 (VCV002041761.5), dbSNP rs1464047428, ClinGen allele CA16036614.